The following is an entry in ClinVar:

NM_005228.5(EGFR):c.533T>C (p.Met178Thr)

Gene: EGFR (epidermal growth factor receptor; plus strand). Cytogenetic location: 7p11.2.
Variant type: single nucleotide variant.
Coding change: c.533T>C on transcript NM_005228.5 (MANE Select); coding-DNA position 533, T replaced by C.
Protein change: p.Met178Thr; replaces methionine 178 with threonine.
Molecular consequence: missense variant. On other transcripts: intron variant (3).
Genome position (GRCh38, 1-based): chr7:55,146,714, T>C. VCF-style: chr7-55146714-T-C. GRCh37 (hg19) VCF-style: chr7-55214407-T-C.
Other names: c.533T>C, p.Met178Thr (NM_001346898.2, NM_201282.2, NM_201283.2 and 1 more transcripts); c.374T>C, p.Met125Thr (NM_001346900.2); c.424+3226T>C (NM_001346899.2, NM_001346897.2); c.89-9116T>C (NM_001346941.2); short protein forms M125T, M178T.
Identifiers: ClinVar variation 3626470 (VCV003626470.2).
Genomic context (GRCh38, chr7:55,146,714, plus strand): 5'-ACGTGGAGAGCATCCAGTGGCGGGACATAGTCAGCAGTGACTTTCTCAGCAACATGTCGA[T>C]GGACTTCCAGAACCACCTGGGCAGCTGTAAGTGTCGCATACACACTATCTCTGCCTCCAG-3'
Protein context (NP_005219.2, residues 168-188): VSSDFLSNMS[Met178Thr]DFQNHLGSCQ

ClinVar aggregate classification (germline): Uncertain significance (1 of 4 stars; one submission).

Conditions:
EGFR-related lung cancer (EGFR). Identifiers: MedGen CN130014.

Submission:

Labcorp Genetics (formerly Invitae), Labcorp
Classification: Uncertain significance for EGFR-related lung cancer. Last evaluated: 2024-09-10. Review status: criteria provided, single submitter. Criteria: Invitae Variant Classification Sherloc (09022015). Collection method: clinical testing. Allele origin: germline.
Comment: This sequence change replaces methionine, which is neutral and non-polar, with threonine, which is neutral and polar, at codon 178 of the EGFR protein (p.Met178Thr). This variant is not present in population databases (gnomAD no frequency). This variant has not been reported in the literature in individuals affected with EGFR-related conditions. An algorithm developed to predict the effect of missense changes on protein structure and function (PolyPhen-2) suggests that this variant is likely to be tolerated. In summary, the available evidence is currently insufficient to determine the role of this variant in disease. Therefore, it has been classified as a Variant of Uncertain Significance.